The following is an entry in ClinVar:

NM_000492.4(CFTR):c.4052del (p.Lys1351fs)

Gene: CFTR (CF transmembrane conductance regulator; plus strand). Cytogenetic location: 7q31.2.
Variant type: Deletion.
Coding change: c.4052del on transcript NM_000492.4 (MANE Select); coding-DNA position 4052, one base deleted (A; older notation c.4052delA).
Protein change: p.Lys1351fs; shifts the reading frame from lysine 1351.
Molecular consequence: frameshift variant.
Genome position (GRCh38, 1-based): chr7:117,664,776, A deleted; the last of 2 consecutive A bases (chr7:117,664,775-117,664,776); deleting either gives the same sequence. VCF-style (leftmost placement, unchanged base first): chr7-117664774-CA-C. GRCh37 (hg19) VCF-style: chr7-117304828-CA-C.
Other names: short protein forms K1351fs.
Identifiers: ClinVar variation 2814000 (VCV002814000.3), dbSNP rs2485181807, ClinGen allele CA2739279701.

ClinVar aggregate classification (germline): Pathogenic (1 of 4 stars; one submission).

Conditions:
Cystic fibrosis (CF). Also called: MUCOVISCIDOSIS. Identifiers: Orphanet 586, MedGen C0010674, MONDO:0009061, OMIM 219700. Disease mechanism: loss of function.

Submission:

Labcorp Genetics (formerly Invitae), Labcorp
Classification: Pathogenic for Cystic fibrosis. Last evaluated: 2022-12-08. Review status: criteria provided, single submitter. Criteria: Invitae Variant Classification Sherloc (09022015). Collection method: clinical testing. Allele origin: germline.
Comment: For these reasons, this variant has been classified as Pathogenic. This variant has not been reported in the literature in individuals affected with CFTR-related conditions. This variant is not present in population databases (gnomAD no frequency). This sequence change creates a premature translational stop signal (p.Lys1351Serfs*3) in the CFTR gene. It is expected to result in an absent or disrupted protein product. Loss-of-function variants in CFTR are known to be pathogenic (PMID: 1695717, 7691345, 9725922).

Literature cited by the submitters: PubMed 1695717; PubMed 7691345; PubMed 9725922.